The following is an entry in ClinVar:

ClinVar aggregate classification (germline): Uncertain significance (1 of 4 stars; one submission).

Allele frequency attached by ClinVar (database versions not stated): gnomAD exomes below 0.00001; TOPMed 0.00001.

Submission:

Labcorp Genetics (formerly Invitae), Labcorp
Classification: Uncertain significance. Last evaluated: 2022-10-24. Review status: criteria provided, single submitter. Criteria: Invitae Variant Classification Sherloc (09022015). Collection method: clinical testing. Allele origin: germline.
Comment: This sequence change replaces serine, which is neutral and polar, with asparagine, which is neutral and polar, at codon 5120 of the USH2A protein (p.Ser5120Asn). This variant is not present in population databases (gnomAD no frequency). This variant has not been reported in the literature in individuals affected with USH2A-related conditions. ClinVar contains an entry for this variant (Variation ID: 1423565). Advanced modeling of protein sequence and biophysical properties (such as structural, functional, and spatial information, amino acid conservation, physicochemical variation, residue mobility, and thermodynamic stability) performed at Invitae indicates that this missense variant is not expected to disrupt USH2A protein function. In summary, the available evidence is currently insufficient to determine the role of this variant in disease. Therefore, it has been classified as a Variant of Uncertain Significance.

NM_206933.4(USH2A):c.15359G>A (p.Ser5120Asn)

Gene: USH2A (usherin; minus strand). Cytogenetic location: 1q41.
Variant type: single nucleotide variant.
Coding change: c.15359G>A on transcript NM_206933.4 (MANE Select); coding-DNA position 15359, G replaced by A.
Protein change: p.Ser5120Asn; replaces serine 5120 with asparagine.
Molecular consequence: missense variant.
Genome position (GRCh38, 1-based): chr1:215,628,974, C>T on the plus strand (G>A on the coding strand, the complement: USH2A is on the minus strand). VCF-style: chr1-215628974-C-T. GRCh37 (hg19) VCF-style: chr1-215802316-C-T.
Other names: short protein forms S5120N.
Identifiers: ClinVar variation 1423565 (VCV001423565.3), dbSNP rs1349191153, ClinGen allele CA344821252.
Genomic context (GRCh38, chr1:215,628,974, plus strand): 5'-GAACCCTGGGAGTAGGTTAGGCTGGTTTGGTTTTGACTCGGGATGCGCAGGACACATGCA[C>T]TCCGGTTGCTGCGGATACTCACAGGTGTCCCAGACCGGGGAATTTTGGTATCGGCTAACC-3'
Protein context (NP_996816.3, residues 5110-5130): GTPVSIRSNR[Ser5120Asn]ACVLRIPSQN